The following is an entry in ClinVar:

NM_001042492.3(NF1):c.1650G>A (p.Leu550=)

Gene: NF1 (neurofibromin 1; plus strand). Cytogenetic location: 17q11.2.
Variant type: single nucleotide variant.
Coding change: c.1650G>A on transcript NM_001042492.3 (MANE Select); coding-DNA position 1650, G replaced by A.
Protein change: p.Leu550=; no amino-acid change (leucine 550 retained).
Molecular consequence: synonymous variant.
Genome position (GRCh38, 1-based): chr17:31,221,858, G>A. VCF-style: chr17-31221858-G-A. GRCh37 (hg19) VCF-style: chr17-29548876-G-A.
Other names: c.1650G>A, p.Leu550= (NM_000267.4, NM_001128147.3).
Identifiers: ClinVar variation 1104816 (VCV001104816.8), dbSNP rs1555613190, ClinGen allele CA499228169.
Genomic context (GRCh38, chr17:31,221,858, plus strand): 5'-AAAATGTTTGAGTGAGTCTTCTCTTTGTCTTTCTCTTTTTTAAAAAATTCAGGCTCTGCT[G>A]GTTCTTCATCAGTTAGATAGCATTGATTTGTGGAATCCTGATGCTCCTGTAGAAACATTT-3'
Protein context (NP_001035957.1, residues 540-560): EIAQEAMEAL[Leu550=]VLHQLDSIDL

ClinVar aggregate classification (germline): Conflicting classifications of pathogenicity. Review status: criteria provided, conflicting classifications (1 of 4 stars). 2 submissions from 2 submitters: Uncertain significance (1); Likely benign (1). Last evaluated 2025-05-03.

Conditions:
Hereditary cancer-predisposing syndrome. Also called: Neoplastic Syndromes, Hereditary; Hereditary neoplastic syndrome; Hereditary Cancer Syndrome; Tumor predisposition. Identifiers: Orphanet 140162, MedGen C0027672, MeSH D009386, MONDO:0015356.
Cardiovascular phenotype. Identifiers: MedGen CN230736.
Neurofibromatosis, type 1 (NF1). Also called: Neurofibromatosis, type I; NEUROFIBROMATOSIS, TYPE I, SOMATIC; Peripheral type neurofibromatosis; VON RECKLINGHAUSEN DISEASE. Identifiers: Orphanet 636, MedGen C0027831, MONDO:0018975, OMIM 162200. Disease mechanism: loss of function.

Submissions (2):

Ambry Genetics
Classification: Uncertain significance for Cardiovascular phenotype; Hereditary cancer-predisposing syndrome. Last evaluated: 2025-05-03. Review status: criteria provided, single submitter. Criteria: Ambry Variant Classification Scheme 2023. Collection method: clinical testing. Allele origin: germline.
Comment: The c.1650G>A variant (also known as p.L550L), located in coding exon 15 of the NF1 gene, results from a G to A substitution at nucleotide position 1650. This nucleotide substitution does not change the amino acid at codon 550. This nucleotide position is not well conserved in available vertebrate species. In silico splice site analysis predicts that this alteration may weaken the native splice acceptor site; however, direct evidence is insufficient at this time (Ambry internal data). Based on the available evidence, the clinical significance of this variant remains unclear.

Labcorp Genetics (formerly Invitae), Labcorp
Classification: Likely benign for Neurofibromatosis, type 1. Last evaluated: 2022-07-19. Review status: criteria provided, single submitter. Criteria: Invitae Variant Classification Sherloc (09022015). Collection method: clinical testing. Allele origin: germline.